The following is an entry in ClinVar:

ClinVar aggregate classification (germline): Uncertain significance. Review status: criteria provided, multiple submitters, no conflicts (2 of 4 stars). 3 submissions from 3 submitters: Uncertain significance (2). 1 of the submissions does not count toward it. Last evaluated 2024-06-26.

Conditions:
Cardiovascular phenotype. Identifiers: MedGen CN230736.
Alstrom syndrome (ALMS). Identifiers: Orphanet 64, MedGen C0268425, MONDO:0008763, OMIM 203800.

Allele frequency attached by ClinVar (database versions not stated): gnomAD exomes below 0.00001; gnomAD 0.00001; TOPMed 0.00002.
gnomAD v4.1: 6 of 1,596,290 alleles (0.00038%); highest among the groups gnomAD compares: African/African-American, 0.0081%; no homozygotes.

Submissions (3):

Ambry Genetics
Classification: Uncertain significance for Cardiovascular phenotype. Last evaluated: 2024-06-26. Review status: criteria provided, single submitter. Criteria: Ambry Variant Classification Scheme 2023. Collection method: clinical testing. Allele origin: germline.
Comment: The p.D74E variant (also known as c.222C>G), located in coding exon 1 of the ALMS1 gene, results from a C to G substitution at nucleotide position 222. The aspartic acid at codon 74 is replaced by glutamic acid, an amino acid with highly similar properties. This amino acid position is highly conserved in available vertebrate species. In addition, this alteration is predicted to be tolerated by in silico analysis. Based on the available evidence, the clinical significance of this variant remains unclear.

Labcorp Genetics (formerly Invitae), Labcorp
Classification: Uncertain significance for Alstrom syndrome. Last evaluated: 2022-04-08. Review status: criteria provided, single submitter. Criteria: Invitae Variant Classification Sherloc (09022015). Collection method: clinical testing. Allele origin: germline.
Comment: This sequence change replaces aspartic acid, which is acidic and polar, with glutamic acid, which is acidic and polar, at codon 74 of the ALMS1 protein (p.Asp74Glu). This variant is present in population databases (no rsID available, gnomAD 0.01%). This variant has not been reported in the literature in individuals affected with ALMS1-related conditions. ClinVar contains an entry for this variant (Variation ID: 403923). Experimental studies and prediction algorithms are not available or were not evaluated, and the functional significance of this variant is currently unknown. In summary, the available evidence is currently insufficient to determine the role of this variant in disease. Therefore, it has been classified as a Variant of Uncertain Significance.

Natera, Inc.
Classification: Uncertain significance for Alstrom syndrome. Last evaluated: 2021-04-01. Review status: no assertion criteria provided. Collection method: clinical testing. Allele origin: germline. Not counted in ClinVar's aggregate classification.

NM_001378454.1(ALMS1):c.219C>G (p.Asp73Glu)

Gene: ALMS1 (ALMS1 centrosome and basal body associated protein; plus strand). Cytogenetic location: 2p13.1.
Variant type: single nucleotide variant.
Coding change: c.219C>G on transcript NM_001378454.1 (MANE Select); coding-DNA position 219, C replaced by G.
Protein change: p.Asp73Glu; replaces aspartic acid 73 with glutamic acid.
Molecular consequence: missense variant.
Genome position (GRCh38, 1-based): chr2:73,386,087, C>G. VCF-style: chr2-73386087-C-G. GRCh37 (hg19) VCF-style: chr2-73613215-C-G.
Other names: c.222C>G, p.Asp74Glu (NM_015120.4); short protein forms D74E, D73E.
Identifiers: ClinVar variation 403923 (VCV000403923.7), dbSNP rs905373886, ClinGen allele CA16611003.